The following is an entry in ClinVar:

NM_001009944.3(PKD1):c.11411+2T>G

Genes: PKD1 (polycystin 1, transient receptor potential channel interacting; minus strand), PKD1-AS1 (PKD1 antisense RNA 1; plus strand). Cytogenetic location: 16p13.3.
Variant type: single nucleotide variant.
Coding change: c.11411+2T>G on transcript NM_001009944.3 (MANE Select); the canonical splice donor site of the intron after coding-DNA position 11411, T replaced by G.
Molecular consequence: splice donor variant.
Genome position (GRCh38, 1-based): chr16:2,092,045, A>C on the plus strand (T>G on the coding strand, the complement: PKD1 is on the minus strand). VCF-style: chr16-2092045-A-C. GRCh37 (hg19) VCF-style: chr16-2142046-A-C.
Other names: c.11408+2T>G (NM_000296.4).
Identifiers: ClinVar variation 4813237 (VCV004813237.1).

ClinVar aggregate classification (germline): Pathogenic (1 of 4 stars; one submission).

Submission:

GeneDx
Classification: Pathogenic. Last evaluated: 2025-09-07. Review status: criteria provided, single submitter. Criteria: GeneDx Variant Classification Process June 2021. Collection method: clinical testing. Allele origin: germline. Affected: yes.
Comment: Canonical splice site variant predicted to result in a null allele in a gene for which loss of function is a known mechanism of disease; Not observed at significant frequency in large population cohorts (gnomAD); Has not been previously published as pathogenic or benign to our knowledge